The following is an entry in ClinVar:

NM_000138.5(FBN1):c.963del (p.Ser322fs)

Gene: FBN1 (fibrillin 1; minus strand). Cytogenetic location: 15q21.1.
Variant type: Deletion.
Coding change: c.963del on transcript NM_000138.5 (MANE Select); coding-DNA position 963, one base deleted (C; older notation c.963delC).
Protein change: p.Ser322fs; shifts the reading frame from serine 322.
Molecular consequence: frameshift variant.
Genome position (GRCh38, 1-based): chr15:48,526,155, G deleted on the plus strand (C on the coding strand, the reverse complement: FBN1 is on the minus strand); the first of 2 consecutive G bases (chr15:48,526,155-48,526,156); deleting either gives the same sequence. VCF-style (leftmost placement, unchanged base first): chr15-48526154-AG-A. GRCh37 (hg19) VCF-style: chr15-48818351-AG-A.
Other names: c.962delC, p.Ser322Leufs (NM_001406716.1); c.963delC (NM_000138.4); short protein forms S322fs.
Identifiers: ClinVar variation 1767636 (VCV001767636.2), dbSNP rs2505640641, ClinGen allele CA2580089611.
Genomic context (GRCh38, chr15:48,526,154, plus strand): 5'-ACACAAACCATGCATGCTGTTTGTCATTAAACCTACCTATGCATCTGGTACCATCTGGAG[AG>A]GTGTAAAAACCAGGGGGACATTTGCAAAAGTAACTGCTGACTGTGTTTGTACATTCACCC-3'

ClinVar aggregate classification (germline): Pathogenic (1 of 4 stars; one submission).

Conditions:
Familial thoracic aortic aneurysm and aortic dissection (TAAD). Also called: Thoracic aortic aneurysms and dissections. Identifiers: Orphanet 91387, MedGen C4707243, MONDO:0019625.

Submission:

Ambry Genetics
Classification: Pathogenic for Familial thoracic aortic aneurysm and aortic dissection. Last evaluated: 2021-08-30. Review status: criteria provided, single submitter. Criteria: Ambry Variant Classification Scheme 2023. Collection method: clinical testing. Allele origin: germline.
Comment: The c.963delC variant, located in coding exon 8 of the FBN1 gene, results from a deletion of one nucleotide at nucleotide position 963, causing a translational frameshift with a predicted alternate stop codon (p.S322Lfs*8), and is located in the cbEGF-like #02 domain. This variant is considered to be rare based on population cohorts in the Genome Aggregation Database (gnomAD). In addition, this alteration is expected to result in loss of function by premature protein truncation or nonsense-mediated mRNA decay. As such, this alteration is interpreted as a disease-causing mutation.